The following is an entry in ClinVar:

ClinVar aggregate classification (germline): Uncertain significance (1 of 4 stars; one submission).

Conditions:
TTN-related disorder. Also called: TTN-related condition; TTN-related disease; TTN-related disorders.

Submission:

PreventionGenetics, part of Exact Sciences
Classification: Uncertain significance for TTN-related condition. Last evaluated: 2022-12-27. Review status: criteria provided, single submitter. Criteria: ACMG Guidelines, 2015. Collection method: clinical testing. Allele origin: germline.
Comment: The TTN c.42827C>A variant is predicted to result in the amino acid substitution p.Ser14276Tyr. To our knowledge, this variant has not been reported in the literature or in a large population database, indicating this variant is rare. At this time, the clinical significance of this variant is uncertain due to the absence of conclusive functional and genetic evidence.

NM_001267550.2(TTN):c.42827C>A (p.Ser14276Tyr)

Gene: TTN (titin; minus strand). Cytogenetic location: 2q31.2.
Variant type: single nucleotide variant.
Coding change: c.42827C>A on transcript NM_001267550.2 (MANE Select); coding-DNA position 42827, C replaced by A.
Protein change: p.Ser14276Tyr; replaces serine 14276 with tyrosine.
Molecular consequence: missense variant.
Genome position (GRCh38, 1-based): chr2:178,633,532, G>T on the plus strand (C>A on the coding strand, the complement: TTN is on the minus strand). VCF-style: chr2-178633532-G-T. GRCh37 (hg19) VCF-style: chr2-179498259-G-T.
Other names: c.37904C>A, p.Ser12635Tyr (NM_001256850.1); c.15632C>A, p.Ser5211Tyr (NM_003319.4); c.35123C>A, p.Ser11708Tyr (NM_133378.4); c.16007C>A, p.Ser5336Tyr (NM_133432.3); c.16208C>A, p.Ser5403Tyr (NM_133437.4); short protein forms S11708Y, S12635Y, S14276Y, S5211Y, S5336Y, S5403Y.
Identifiers: ClinVar variation 2630102 (VCV002630102.1), dbSNP rs2060063750, ClinGen allele CA349653774.